The following is an entry in ClinVar:

NM_000038.6(APC):c.3842C>A (p.Ser1281Ter)

Gene: APC (APC regulator of Wnt signaling pathway; plus strand). Cytogenetic location: 5q22.2.
Variant type: single nucleotide variant.
Coding change: c.3842C>A on transcript NM_000038.6 (MANE Select); coding-DNA position 3842, C replaced by A.
Protein change: p.Ser1281Ter; replaces serine 1281 with a stop codon.
Molecular consequence: nonsense. On other transcripts: non-coding transcript variant (2).
Genome position (GRCh38, 1-based): chr5:112,839,436, C>A. VCF-style: chr5-112839436-C-A. GRCh37 (hg19) VCF-style: chr5-112175133-C-A.
Other names: c.3842C>A, p.Ser1281Ter (NM_001127510.3, NM_001354895.2, NM_001407450.1); c.3788C>A, p.Ser1263Ter (NM_001127511.3); c.3896C>A, p.Ser1299Ter (NM_001354896.2, NM_001407447.1, NM_001407448.1 and 1 more transcripts); c.3872C>A, p.Ser1291Ter (NM_001354897.2); c.3767C>A, p.Ser1256Ter (NM_001354898.2); c.3758C>A, p.Ser1253Ter (NM_001354899.2); c.3719C>A, p.Ser1240Ter (NM_001354900.2); c.3665C>A, p.Ser1222Ter (NM_001354901.2, NM_001407453.1); and 11 more; short protein forms S1121*, S1152*, S1155*, S1180*, S1190*, S1198*, S1222*, S1240*.
Identifiers: ClinVar variation 3775433 (VCV003775433.2).

ClinVar aggregate classification (germline): Likely pathogenic (1 of 4 stars; one submission).
ClinVar aggregate classification (oncogenicity): Likely oncogenic (1 of 4 stars; one submission).

Conditions:
Gastric cancer. Also called: Malignant tumor of stomach; Stomach cancer. Identifiers: MedGen C0024623, MeSH D013274, MONDO:0001056, OMIM 613659, HP:0012126.
Neoplasm. Also called: tumor; Neoplasms; Neoplasm (disease). Identifiers: MedGen C0027651, MeSH D009369, MONDO:0005070, HP:0002664.

Submissions (2):

Center for Genomic Medicine, Rigshospitalet, Copenhagen University Hospital
Classification: Likely oncogenic for Neoplasm. Last evaluated: 2026-10-16. Review status: criteria provided, single submitter. Criteria: ClinGen/CGC/VICC Guidelines for Oncogenicity, 2022. Collection method: clinical testing. Allele origin: somatic. Affected: yes.

3billion
Classification: Likely pathogenic for Gastric cancer. Last evaluated: 2023-11-10. Review status: criteria provided, single submitter. Criteria: ACMG Guidelines, 2015. Collection method: clinical testing. Allele origin: germline. Affected: yes.
Comment: The variant is not observed in the gnomAD v2.1.1 dataset. Predicted Consequence/Location: Stop-gained (nonsense): predicted to result in a loss or disruption of normal protein function through protein truncation. The predicted truncated protein may be shortened by more than 10%. The variant has been reported to be associated with APC related disorder (PMID: 20685668). Therefore, this variant is classified as Likely pathogenic according to the recommendation of ACMG/AMP guideline.

Literature cited by the submitters: PubMed 20685668 (cited by 3billion).